The following is an entry in ClinVar:

ClinVar aggregate classification (germline): Likely benign. Review status: criteria provided, single submitter (1 of 4 stars). 2 submissions from 2 submitters: Likely benign (1). 1 of the submissions does not count toward it. Last evaluated 2024-05-29.

Conditions:
HMCN1-related disorder. Also called: HMCN1-related condition.

Allele frequency attached by ClinVar (database versions not stated): ExAC 0.00001; gnomAD exomes 0.00001; TOPMed 0.00002; gnomAD 0.00003.
gnomAD v4.1: 18 of 1,612,906 alleles (0.0011%); highest among the groups gnomAD compares: Middle Eastern, 0.016%; no homozygotes.

Submissions (2):

Labcorp Genetics (formerly Invitae), Labcorp
Classification: Likely benign. Last evaluated: 2024-05-29. Review status: criteria provided, single submitter. Criteria: Invitae Variant Classification Sherloc (09022015). Collection method: clinical testing. Allele origin: germline.

PreventionGenetics, part of Exact Sciences
Classification: Likely benign for HMCN1-related condition. Last evaluated: 2019-08-27. Review status: no assertion criteria provided. Collection method: clinical testing. Allele origin: germline. Not counted in ClinVar's aggregate classification.
Comment: This variant is classified as likely benign based on ACMG/AMP sequence variant interpretation guidelines (Richards et al. 2015 PMID: 25741868, with internal and published modifications).

NM_031935.3(HMCN1):c.6969A>G (p.Thr2323=)

Gene: HMCN1 (hemicentin 1; plus strand). Cytogenetic location: 1q31.1.
Variant type: single nucleotide variant.
Coding change: c.6969A>G on transcript NM_031935.3 (MANE Select); coding-DNA position 6969, A replaced by G.
Protein change: p.Thr2323=; no amino-acid change (threonine 2323 retained).
Molecular consequence: synonymous variant.
Genome position (GRCh38, 1-based): chr1:186,055,499, A>G. VCF-style: chr1-186055499-A-G. GRCh37 (hg19) VCF-style: chr1-186024631-A-G.
Other names: c.6969A>G (NM_031935.2).
Identifiers: ClinVar variation 2181801 (VCV002181801.6), dbSNP rs756832292, ClinGen allele CA1292706.